The following is an entry in ClinVar:

ClinVar aggregate classification (germline): Uncertain significance (1 of 4 stars; one submission).

gnomAD v4.1: 11 of 1,612,988 alleles (0.00068%); highest among the groups gnomAD compares: Admixed American, 0.0033%; no homozygotes.

Submission:

Labcorp Genetics (formerly Invitae), Labcorp
Classification: Uncertain significance. Last evaluated: 2025-01-21. Review status: criteria provided, single submitter. Criteria: Invitae Variant Classification Sherloc (09022015). Collection method: clinical testing. Allele origin: germline.
Comment: This sequence change creates a premature translational stop signal (p.Arg826*) in the TNNI3K gene. While this is not anticipated to result in nonsense mediated decay, it is expected to disrupt the last 10 amino acid(s) of the TNNI3K protein. This variant is present in population databases (no rsID available, gnomAD 0.003%). This variant has not been reported in the literature in individuals affected with TNNI3K-related conditions. ClinVar contains an entry for this variant (Variation ID: 1357989). Experimental studies and prediction algorithms are not available or were not evaluated, and the functional significance of this variant is currently unknown. In summary, the available evidence is currently insufficient to determine the role of this variant in disease. Therefore, it has been classified as a Variant of Uncertain Significance.

NM_015978.3(TNNI3K):c.2476C>T (p.Arg826Ter)

Genes: FPGT-TNNI3K (FPGT-TNNI3K readthrough; plus strand), TNNI3K (TNNI3 interacting kinase; plus strand). Cytogenetic location: 1p31.1.
Variant type: single nucleotide variant.
Coding change: c.2476C>T on transcript NM_015978.3 (MANE Select); coding-DNA position 2476, C replaced by T.
Protein change: p.Arg826Ter; replaces arginine 826 with a stop codon.
Molecular consequence: nonsense.
Genome position (GRCh38, 1-based): chr1:74,543,950, C>T. VCF-style: chr1-74543950-C-T. GRCh37 (hg19) VCF-style: chr1-75009634-C-T.
Other names: c.2779C>T, p.Arg927Ter (NM_001112808.3); short protein forms R826*, R927*.
Identifiers: ClinVar variation 1357989 (VCV001357989.6), dbSNP rs201614312, ClinGen allele CA340799677.